The following is an entry in ClinVar:

ClinVar aggregate classification (germline): Pathogenic (1 of 4 stars; one submission).

Conditions:
Tuberous sclerosis 1 (TSC1). Identifiers: Orphanet 805, MedGen C1854465, MONDO:0008612, OMIM 191100.

Submission:

Labcorp Genetics (formerly Invitae), Labcorp
Classification: Pathogenic for Tuberous sclerosis 1. Last evaluated: 2018-01-29. Review status: criteria provided, single submitter. Criteria: Invitae Variant Classification Sherloc (09022015). Collection method: clinical testing. Allele origin: germline.
Comment: For these reasons, this variant has been classified as Pathogenic. Loss-of-function variants in TSC1 are known to be pathogenic (PMID: 10227394, 17304050). This variant has been reported to be de novo in an individual with clinical features consistent with tuberous sclerosis complex (Invitae). This variant is a gross duplication of the genomic region encompassing exons 9-20 of the TSC1 gene. While the exact position of the duplicated exons cannot be determined from this data, sub-genic duplications are generally in tandem (PMID: 25640679) and may result in an absent or disrupted protein product.

Literature cited by the submitters: PubMed 10227394; PubMed 17304050; PubMed 25640679.

NC_000009.11:g.(?_135776102)_(135787844_?)dup

Gene: TSC1 (TSC complex subunit 1; minus strand). Cytogenetic location: 9q34.13.
Variant type: Duplication.
Identifiers: ClinVar variation 583696 (VCV000583696.7).